The following is an entry in ClinVar:

ClinVar aggregate classification (germline): Uncertain significance (1 of 4 stars; one submission).

Conditions:
Immunodeficiency, common variable, 10. Also called: IMMUNODEFICIENCY, COMMON VARIABLE, WITH CENTRAL ADRENAL INSUFFICIENCY; DEFICIT IN ANTERIOR PITUITARY FUNCTION AND VARIABLE IMMUNODEFICIENCY. Identifiers: MedGen C3809991, MONDO:0014260, OMIM 615577.

Submission:

Labcorp Genetics (formerly Invitae), Labcorp
Classification: Uncertain significance for Immunodeficiency, common variable, 10. Last evaluated: 2022-10-14. Review status: criteria provided, single submitter. Criteria: Invitae Variant Classification Sherloc (09022015). Collection method: clinical testing. Allele origin: germline.
Comment: In summary, the available evidence is currently insufficient to determine the role of this variant in disease. Therefore, it has been classified as a Variant of Uncertain Significance. Algorithms developed to predict the effect of missense changes on protein structure and function output the following: SIFT: "Tolerated"; PolyPhen-2: "Benign"; Align-GVGD: "Class C0". The threonine amino acid residue is found in multiple mammalian species, which suggests that this missense change does not adversely affect protein function. This variant has not been reported in the literature in individuals affected with NFKB2-related conditions. This variant is not present in population databases (gnomAD no frequency). This sequence change replaces alanine, which is neutral and non-polar, with threonine, which is neutral and polar, at codon 472 of the NFKB2 protein (p.Ala472Thr).

NM_001322934.2(NFKB2):c.1414G>A (p.Ala472Thr)

Gene: NFKB2 (nuclear factor kappa B subunit 2; plus strand). Cytogenetic location: 10q24.32.
Variant type: single nucleotide variant.
Coding change: c.1414G>A on transcript NM_001322934.2 (MANE Select); coding-DNA position 1414, G replaced by A.
Protein change: p.Ala472Thr; replaces alanine 472 with threonine.
Molecular consequence: missense variant.
Genome position (GRCh38, 1-based): chr10:102,399,663, G>A. VCF-style: chr10-102399663-G-A. GRCh37 (hg19) VCF-style: chr10-104159420-G-A.
Other names: c.1414G>A, p.Ala472Thr (NM_001077493.1, NM_001077494.3, NM_001261403.3 and 2 more transcripts); c.1288G>A, p.Ala430Thr (NM_001322935.1); short protein forms A430T, A472T.
Identifiers: ClinVar variation 1721613 (VCV001721613.5), dbSNP rs747286988, ClinGen allele CA377899565.